The following is an entry in ClinVar:

ClinVar aggregate classification (germline): Likely pathogenic (1 of 4 stars; one submission).

Conditions:
Severe combined immunodeficiency due to CORO1A deficiency. Also called: IMMUNODEFICIENCY 8 WITH LYMPHOPROLIFERATION; Immunodeficiency 8. Identifiers: Orphanet 228003, MedGen C3809383, MONDO:0014168, OMIM 615401.

Submission:

Labcorp Genetics (formerly Invitae), Labcorp
Classification: Likely pathogenic for Severe combined immunodeficiency due to CORO1A deficiency. Last evaluated: 2020-07-20. Review status: criteria provided, single submitter. Criteria: Invitae Variant Classification Sherloc (09022015). Collection method: clinical testing. Allele origin: germline.
Comment: In summary, the currently available evidence indicates that the variant is pathogenic, but additional data are needed to prove that conclusively. Therefore, this variant has been classified as Likely Pathogenic. Donor and acceptor splice site variants typically lead to a loss of protein function (PMID: 16199547), and loss-of-function variants in CORO1A are known to be pathogenic (PMID: 18836449, 25073507). Algorithms developed to predict the effect of sequence changes on RNA splicing suggest that this variant may disrupt the consensus splice site, but this prediction has not been confirmed by published transcriptional studies. This variant has not been reported in the literature in individuals with CORO1A-related conditions. This variant is not present in population databases (ExAC no frequency). This sequence change affects a donor splice site in intron 8 of the CORO1A gene. It is expected to disrupt RNA splicing and likely results in an absent or disrupted protein product.

Literature cited by the submitters: PubMed 16199547; PubMed 18836449; PubMed 25073507.

NM_007074.4(CORO1A):c.1007+1G>A

Gene: CORO1A (coronin 1A; plus strand). Cytogenetic location: 16p11.2.
Variant type: single nucleotide variant.
Coding change: c.1007+1G>A on transcript NM_007074.4 (MANE Select); the canonical splice donor site of the intron after coding-DNA position 1007, G replaced by A.
Molecular consequence: splice donor variant.
Genome position (GRCh38, 1-based): chr16:30,188,088, G>A. VCF-style: chr16-30188088-G-A. GRCh37 (hg19) VCF-style: chr16-30199409-G-A.
Other names: c.1007+1G>A (NM_001193333.3).
Identifiers: ClinVar variation 1067675 (VCV001067675.7), dbSNP rs2151063274, ClinGen allele CA395497926.